The following is an entry in ClinVar:

NM_007294.4(BRCA1):c.274G>A (p.Ala92Thr)

Gene: BRCA1 (BRCA1 DNA repair associated; minus strand). Cytogenetic location: 17q21.31.
Variant type: single nucleotide variant.
Coding change: c.274G>A on transcript NM_007294.4 (MANE Select); coding-DNA position 274, G replaced by A.
Protein change: p.Ala92Thr; replaces alanine 92 with threonine.
Molecular consequence: missense variant. On other transcripts: non-coding transcript variant (1).
Genome position (GRCh38, 1-based): chr17:43,104,895, C>T on the plus strand (G>A on the coding strand, the complement: BRCA1 is on the minus strand). VCF-style: chr17-43104895-C-T. GRCh37 (hg19) VCF-style: chr17-41256912-C-T.
Other names: c.274G>A, p.Ala92Thr (NM_001407664.1, NM_001407665.1, NM_001407666.1 and 168 more transcripts); c.133G>A, p.Ala45Thr (NM_001407692.1, NM_001407694.1, NM_001407695.1 and 99 more transcripts); c.64G>A, p.Ala22Thr (NM_001407853.1, NM_001407879.1, NM_001407881.1 and 58 more transcripts); c.196G>A, p.Ala66Thr (NM_001407862.1, NM_001407874.1, NM_001407875.1 and 21 more transcripts); c.-108G>A (NM_001407959.1, NM_001407960.1, NM_001407962.1 and 4 more transcripts); c.142G>A, p.Ala48Thr (NM_001408451.1); short protein forms A45T, A92T, A66T, A22T, A48T.
Identifiers: ClinVar variation 868341 (VCV000868341.3), dbSNP rs863224755, ClinGen allele CA10601608.
Genomic context (GRCh38, chr17:43,104,895, plus strand): 5'-TTGAGTGTCATTCTTGGGATATTCAACACTTACACTCCAAACCTGTGTCAAGCTGAAAAG[C>T]ACAAATGATTTTCAATAGCTCTTCAACAAGTTGACTAAATCTCGTACTTTCTTGTAGGCT-3'
Protein context (NP_009225.1, residues 82-102): LVEELLKIIC[Ala92Thr]FQLDTGLEYA

Conditions:
Breast-ovarian cancer, familial, susceptibility to, 1 (BROVCA1). Also called: BRCA1 Hereditary Breast and Ovarian Cancer; OVARIAN CANCER, SUSCEPTIBILITY TO. Identifiers: Orphanet 145, MedGen C2676676, MONDO:0011450, OMIM 604370. Disease mechanism: loss of function.

Submission:

Brotman Baty Institute, University of Washington
No classification provided (evidence only). Condition: Breast-ovarian cancer, familial 1. Review status: no classification provided. Collection method: in vitro. Allele origin: not applicable. Functional consequence: functionally_abnormal.
ClinVar note: "not provided" was previously submitted as the classification for the variant. However, the classification appeared to be based only on an observation of functional data so it was converted to no classification on 2025-07-30.